The following is an entry in ClinVar:

ClinVar aggregate classification (germline): Uncertain significance (1 of 4 stars; one submission).

Conditions:
Camptomelic dysplasia (CMPD). Also called: Campomelic Dysplasia; CMPD1/SRA1. Identifiers: Orphanet 140, MedGen C1861922, MONDO:0007251, OMIM 114290.

Submission:

Labcorp Genetics (formerly Invitae), Labcorp
Classification: Uncertain significance for Camptomelic dysplasia. Last evaluated: 2025-10-07. Review status: criteria provided, single submitter. Criteria: Invitae Variant Classification Sherloc (09022015). Collection method: clinical testing. Allele origin: germline.
Comment: This sequence change replaces glycine, which is neutral and non-polar, with valine, which is neutral and non-polar, at codon 17 of the SOX9 protein (p.Gly17Val). This variant is present in population databases (rs762942282, gnomAD 0.0009%). This variant has not been reported in the literature in individuals affected with SOX9-related conditions. Invitae Evidence Modeling of protein sequence and biophysical properties (such as structural, functional, and spatial information, amino acid conservation, physicochemical variation, residue mobility, and thermodynamic stability) indicates that this missense variant is not expected to disrupt SOX9 protein function with a negative predictive value of 95%. In summary, the available evidence is currently insufficient to determine the role of this variant in disease. Therefore, it has been classified as a Variant of Uncertain Significance.

NM_000346.4(SOX9):c.50G>T (p.Gly17Val)

Genes: SOX9 (SRY-box transcription factor 9; plus strand), LOC108021846 (SOX9 promoter region; plus strand). Cytogenetic location: 17q24.3.
Variant type: single nucleotide variant.
Coding change: c.50G>T on transcript NM_000346.4 (MANE Select); coding-DNA position 50, G replaced by T.
Protein change: p.Gly17Val; replaces glycine 17 with valine.
Molecular consequence: missense variant.
Genome position (GRCh38, 1-based): chr17:72,121,441, G>T. VCF-style: chr17-72121441-G-T. GRCh37 (hg19) VCF-style: chr17-70117582-G-T.
Other names: short protein forms G17V.
Identifiers: ClinVar variation 4707728 (VCV004707728.1).